The following is an entry in ClinVar:

ClinVar aggregate classification (germline): Uncertain significance (1 of 4 stars; one submission).

Conditions:
Familial sleep-related hypermotor epilepsy. Also called: Autosomal Dominant Sleep-Related Hypermotor (Hyperkinetic) Epilepsy. Identifiers: Orphanet 98784, MedGen C3696898, MONDO:0000030.

gnomAD v4.1: 1 of 1,614,094 alleles (0.000062%); highest among the groups gnomAD compares: South Asian, 0.0011%; no homozygotes.

Submission:

Labcorp Genetics (formerly Invitae), Labcorp
Classification: Uncertain significance. Last evaluated: 2025-08-11. Review status: criteria provided, single submitter. Criteria: Invitae Variant Classification Sherloc (09022015). Collection method: clinical testing. Allele origin: germline.
Comment: This sequence change replaces threonine, which is neutral and polar, with isoleucine, which is neutral and non-polar, at codon 261 of the CHRNA4 protein (p.Thr261Ile). This variant is not present in population databases (gnomAD no frequency). This variant has not been reported in the literature in individuals affected with CHRNA4-related conditions. Invitae Evidence Modeling of protein sequence and biophysical properties (such as structural, functional, and spatial information, amino acid conservation, physicochemical variation, residue mobility, and thermodynamic stability) indicates that this missense variant is expected to disrupt CHRNA4 protein function with a positive predictive value of 80%. In summary, the available evidence is currently insufficient to determine the role of this variant in disease. Therefore, it has been classified as a Variant of Uncertain Significance.

NM_000744.7(CHRNA4):c.782C>T (p.Thr261Ile)

Gene: CHRNA4 (cholinergic receptor nicotinic alpha 4 subunit; minus strand). Cytogenetic location: 20q13.33.
Variant type: single nucleotide variant.
Coding change: c.782C>T on transcript NM_000744.7 (MANE Select); coding-DNA position 782, C replaced by T.
Protein change: p.Thr261Ile; replaces threonine 261 with isoleucine.
Molecular consequence: missense variant. On other transcripts: non-coding transcript variant (1).
Genome position (GRCh38, 1-based): chr20:63,350,629, G>A on the plus strand (C>T on the coding strand, the complement: CHRNA4 is on the minus strand). VCF-style: chr20-63350629-G-A. GRCh37 (hg19) VCF-style: chr20-61981981-G-A.
Other names: c.254C>T, p.Thr85Ile (NM_001256573.2); short protein forms T261I, T85I.
Identifiers: ClinVar variation 4740132 (VCV004740132.1).